The following is an entry in ClinVar:

ClinVar aggregate classification (germline): Uncertain significance (1 of 4 stars; one submission).

Conditions:
Gorlin syndrome. Also called: Nevoid Basal Cell Carcinoma Syndrome; Basal cell nevus syndrome. Identifiers: Orphanet 377, MedGen C0004779, MONDO:0007187.

Submission:

Labcorp Genetics (formerly Invitae), Labcorp
Classification: Uncertain significance for Gorlin syndrome. Last evaluated: 2025-12-15. Review status: criteria provided, single submitter. Criteria: Invitae Variant Classification Sherloc (09022015). Collection method: clinical testing. Allele origin: germline.
Comment: This sequence change replaces glycine, which is neutral and non-polar, with arginine, which is basic and polar, at codon 440 of the PTCH2 protein (p.Gly440Arg). This variant is not present in population databases (gnomAD no frequency). This variant has not been reported in the literature in individuals affected with PTCH2-related conditions. Invitae Evidence Modeling of protein sequence and biophysical properties (such as structural, functional, and spatial information, amino acid conservation, physicochemical variation, residue mobility, and thermodynamic stability) has been performed for this missense variant. However, the output from this modeling did not meet the statistical confidence thresholds required to predict the impact of this variant on PTCH2 protein function. In summary, the available evidence is currently insufficient to determine the role of this variant in disease. Therefore, it has been classified as a Variant of Uncertain Significance.

NM_003738.5(PTCH2):c.1318G>C (p.Gly440Arg)

Gene: PTCH2 (patched 2; minus strand). Cytogenetic location: 1p34.1.
Variant type: single nucleotide variant.
Coding change: c.1318G>C on transcript NM_003738.5 (MANE Select); coding-DNA position 1318, G replaced by C.
Protein change: p.Gly440Arg; replaces glycine 440 with arginine.
Molecular consequence: missense variant.
Genome position (GRCh38, 1-based): chr1:44,829,210, C>G on the plus strand (G>C on the coding strand, the complement: PTCH2 is on the minus strand). VCF-style: chr1-44829210-C-G. GRCh37 (hg19) VCF-style: chr1-45294882-C-G.
Other names: c.1318G>C, p.Gly440Arg (NM_001166292.2); short protein forms G440R.
Identifiers: ClinVar variation 4763435 (VCV004763435.1).
Genomic context (GRCh38, chr1:44,829,210, plus strand): 5'-GGCGTACCTGGGTAGTGGCAGCATTGAAGGTGATGCCGAGCAGGGCACAGAGCCCAAGGC[C>G]TGAGGCCACCGCCAGGGCCACCAGCAGTACCCCGGCAAGGCCCACGGAACCCTGGGACTG-3'
Protein context (NP_003729.3, residues 430-450): VLLVALAVAS[Gly440Arg]LGLCALLGIT